The following is an entry in ClinVar:

NM_182931.3(KMT2E):c.4819G>A (p.Gly1607Arg)

Gene: KMT2E (lysine methyltransferase 2E (inactive); plus strand). Cytogenetic location: 7q22.3.
Variant type: single nucleotide variant.
Coding change: c.4819G>A on transcript NM_182931.3 (MANE Select); coding-DNA position 4819, G replaced by A.
Protein change: p.Gly1607Arg; replaces glycine 1607 with arginine.
Molecular consequence: missense variant.
Genome position (GRCh38, 1-based): chr7:105,112,575, G>A. VCF-style: chr7-105112575-G-A. GRCh37 (hg19) VCF-style: chr7-104753022-G-A.
Other names: c.4693G>A, p.Gly1565Arg (NM_001410908.1); c.4819G>A, p.Gly1607Arg (NM_018682.4); short protein forms G1565R, G1607R.
Identifiers: ClinVar variation 3677520 (VCV003677520.2).

ClinVar aggregate classification (germline): Uncertain significance (1 of 4 stars; one submission).

gnomAD v4.1: 2 of 1,613,852 alleles (0.00012%); highest among the groups gnomAD compares: African/African-American, 0.0013%; no homozygotes.

Submission:

Labcorp Genetics (formerly Invitae), Labcorp
Classification: Uncertain significance. Last evaluated: 2025-04-21. Review status: criteria provided, single submitter. Criteria: Invitae Variant Classification Sherloc (09022015). Collection method: clinical testing. Allele origin: germline.
Comment: This sequence change replaces glycine, which is neutral and non-polar, with arginine, which is basic and polar, at codon 1607 of the KMT2E protein (p.Gly1607Arg). This variant is present in population databases (no rsID available, gnomAD 0.007%). This variant has not been reported in the literature in individuals affected with KMT2E-related conditions. ClinVar contains an entry for this variant (Variation ID: 3677520). An algorithm developed to predict the effect of missense changes on protein structure and function (PolyPhen-2) suggests that this variant is likely to be disruptive. In summary, the available evidence is currently insufficient to determine the role of this variant in disease. Therefore, it has been classified as a Variant of Uncertain Significance.